The following is an entry in ClinVar:

NM_001089.3(ABCA3):c.2164T>G (p.Phe722Val)

Gene: ABCA3 (ATP binding cassette subfamily A member 3; minus strand). Cytogenetic location: 16p13.3.
Variant type: single nucleotide variant.
Coding change: c.2164T>G on transcript NM_001089.3 (MANE Select); coding-DNA position 2164, T replaced by G.
Protein change: p.Phe722Val; replaces phenylalanine 722 with valine.
Molecular consequence: missense variant.
Genome position (GRCh38, 1-based): chr16:2,297,428, A>C on the plus strand (T>G on the coding strand, the complement: ABCA3 is on the minus strand). VCF-style: chr16-2297428-A-C. GRCh37 (hg19) VCF-style: chr16-2347429-A-C.
Other names: short protein forms F722V.
Identifiers: ClinVar variation 2845829 (VCV002845829.1), dbSNP rs1248371146, ClinGen allele CA394330836.

ClinVar aggregate classification (germline): Uncertain significance (1 of 4 stars; one submission).

Allele frequency attached by ClinVar (database versions not stated): TOPMed 0.00002; gnomAD 0.00004.
gnomAD v4.1: 13 of 1,613,632 alleles (0.00081%); highest among the groups gnomAD compares: Admixed American, 0.013%; no homozygotes.

Submission:

Labcorp Genetics (formerly Invitae), Labcorp
Classification: Uncertain significance. Last evaluated: 2023-07-14. Review status: criteria provided, single submitter. Criteria: Invitae Variant Classification Sherloc (09022015). Collection method: clinical testing. Allele origin: germline.
Comment: In summary, the available evidence is currently insufficient to determine the role of this variant in disease. Therefore, it has been classified as a Variant of Uncertain Significance. This sequence change replaces phenylalanine, which is neutral and non-polar, with valine, which is neutral and non-polar, at codon 722 of the ABCA3 protein (p.Phe722Val). This variant is present in population databases (no rsID available, gnomAD 0.006%). This variant has not been reported in the literature in individuals affected with ABCA3-related conditions. Advanced modeling of protein sequence and biophysical properties (such as structural, functional, and spatial information, amino acid conservation, physicochemical variation, residue mobility, and thermodynamic stability) performed at Invitae indicates that this missense variant is expected to disrupt ABCA3 protein function.